The following is an entry in ClinVar:

ClinVar aggregate classification (germline): other (0 of 4 stars; one submission).

Conditions:
Familial colorectal cancer. Identifiers: MedGen CN280943, MONDO:0023113. Disease mechanism: loss of function.

Allele frequency attached by ClinVar (database versions not stated): TOPMed below 0.00001.

Submission:

Systems Biology Platform Zhejiang California International NanoSystems Institute
Classification: other for Familial colorectal cancer. Review status: no assertion criteria provided. Collection method: not provided. Allele origin: unknown.
ClinVar note: Converted during submission from cancer to other.

NM_000038.6(APC):c.1743+1544A>C

Gene: APC (APC regulator of WNT signaling pathway; plus strand). Cytogenetic location: 5q22.2.
Variant type: single nucleotide variant.
Coding change: c.1743+1544A>C on transcript NM_000038.6 (MANE Select); 1544 bases into the intron after coding-DNA position 1743, A replaced by C.
Molecular consequence: intron variant.
Genome position (GRCh38, 1-based): chr5:112,830,516, A>C. VCF-style: chr5-112830516-A-C. GRCh37 (hg19) VCF-style: chr5-112166213-A-C.
Other names: c.1743+1544A>C (NM_001354895.2, NM_001127510.3); c.1773+1544A>C (NM_001354897.2); c.1470+1544A>C (NM_001354902.2); c.1689+1544A>C (NM_001127511.3); c.1668+1544A>C (NM_001354898.2); c.1365+1544A>C (NM_001354904.2); c.894+1544A>C (NM_001354906.2); c.1797+1544A>C (NM_001354896.2); and 5 more.
Identifiers: ClinVar variation 83175 (VCV000083175.2), dbSNP rs78798527, ClinGen allele CA005530.